The following is an entry in ClinVar:

NM_033225.6(CSMD1):c.5583T>C (p.Gly1861=)

Gene: CSMD1 (CUB and Sushi multiple domains 1; minus strand). Cytogenetic location: 8p23.2.
Variant type: single nucleotide variant.
Coding change: c.5583T>C on transcript NM_033225.6 (MANE Select); coding-DNA position 5583, T replaced by C.
Protein change: p.Gly1861=; no amino-acid change (glycine 1861 retained).
Molecular consequence: synonymous variant.
Genome position (GRCh38, 1-based): chr8:3,187,906, A>G on the plus strand (T>C on the coding strand, the complement: CSMD1 is on the minus strand). VCF-style: chr8-3187906-A-G. GRCh37 (hg19) VCF-style: chr8-3045428-A-G.
Identifiers: ClinVar variation 718541 (VCV000718541.30), dbSNP rs142880495, ClinGen allele CA4606885.

ClinVar aggregate classification (germline): Benign. Review status: criteria provided, multiple submitters, no conflicts (2 of 4 stars). 4 submissions from 4 submitters: Benign (3). 1 of the submissions does not count toward it. Last evaluated 2025-06-01.

Conditions:
CSMD1-related disorder. Also called: CSMD1-related condition.

Allele frequency attached by ClinVar (database versions not stated): 1000 Genomes Project 0.00399; 1000 Genomes Project 30x 0.00422; gnomAD 0.00520 and 0.00523; gnomAD exomes 0.00535; TOPMed 0.00549; ExAC 0.00579; ESP Exome Variant Server 0.00619.
gnomAD v4.1: 12,689 of 1,612,906 alleles (0.79%); highest among the groups gnomAD compares: Non-Finnish European, 0.96%; 74 homozygotes.

Submissions (4):

CeGaT Center for Human Genetics Tuebingen
Classification: Benign. Last evaluated: 2025-06-01. Review status: criteria provided, single submitter. Criteria: CeGaT Center For Human Genetics Tuebingen Variant Classification Criteria Version 2. Collection method: clinical testing. Allele origin: germline. Affected: yes. Observed: 5 variant alleles.
Comment: CSMD1: BP4, BP7, BS1, BS2

Labcorp Genetics (formerly Invitae), Labcorp
Classification: Benign. Last evaluated: 2019-12-31. Review status: criteria provided, single submitter. Criteria: Invitae Variant Classification Sherloc (09022015). Collection method: clinical testing. Allele origin: germline.

Breakthrough Genomics
Classification: Benign. Review status: criteria provided, single submitter. Criteria: ACMG Guidelines, 2015. Collection method: not provided. Allele origin: germline. Inheritance: Unknown mechanism. Affected: yes.

PreventionGenetics, part of Exact Sciences
Classification: Benign for CSMD1-related condition. Last evaluated: 2019-05-23. Review status: no assertion criteria provided. Collection method: clinical testing. Allele origin: germline. Not counted in ClinVar's aggregate classification.
Comment: This variant is classified as benign based on ACMG/AMP sequence variant interpretation guidelines (Richards et al. 2015 PMID: 25741868, with internal and published modifications).